The following is an entry in ClinVar:

NM_001330360.2(POLA1):c.3669C>T (p.His1223=)

Gene: POLA1 (DNA polymerase alpha 1, catalytic subunit; plus strand). Cytogenetic location: Xp22.11.
Variant type: single nucleotide variant.
Coding change: c.3669C>T on transcript NM_001330360.2 (MANE Select); coding-DNA position 3669, C replaced by T.
Protein change: p.His1223=; no amino-acid change (histidine 1223 retained).
Molecular consequence: synonymous variant. On other transcripts: non-coding transcript variant (2).
Genome position (GRCh38, 1-based): chrX:24,826,534, C>T. VCF-style: chrX-24826534-C-T. GRCh37 (hg19) VCF-style: chrX-24844651-C-T.
Other names: c.3651C>T (NM_016937.3); c.3594C>T, p.His1198= (NM_001378303.1); c.3651C>T, p.His1217= (NM_016937.4).
Identifiers: ClinVar variation 2982360 (VCV002982360.5), dbSNP rs1216566797, ClinGen allele CA515713164.

ClinVar aggregate classification (germline): Likely benign. Review status: criteria provided, single submitter (1 of 4 stars). 2 submissions from 2 submitters: Likely benign (1). 1 of the submissions does not count toward it. Last evaluated 2023-10-29.

Conditions:
POLA1-related disorder. Also called: POLA1-related condition.

Allele frequency attached by ClinVar (database versions not stated): gnomAD exomes below 0.00001; gnomAD 0.00002.
gnomAD v4.1: 7 of 1,204,434 alleles (0.00058%); highest among the groups gnomAD compares: Non-Finnish European, 0.00067%; no homozygotes.

Submissions (2):

Labcorp Genetics (formerly Invitae), Labcorp
Classification: Likely benign. Last evaluated: 2023-10-29. Review status: criteria provided, single submitter. Criteria: Invitae Variant Classification Sherloc (09022015). Collection method: clinical testing. Allele origin: germline.

PreventionGenetics, part of Exact Sciences
Classification: Likely benign for POLA1-related condition. Last evaluated: 2019-08-07. Review status: no assertion criteria provided. Collection method: clinical testing. Allele origin: germline. Not counted in ClinVar's aggregate classification.
Comment: This variant is classified as likely benign based on ACMG/AMP sequence variant interpretation guidelines (Richards et al. 2015 PMID: 25741868, with internal and published modifications).